The following is an entry in ClinVar:

ClinVar aggregate classification (germline): Pathogenic. Review status: criteria provided, multiple submitters, no conflicts (2 of 4 stars). 2 submissions from 2 submitters: Pathogenic (2). Last evaluated 2025-10-14.

Conditions:
Inborn genetic diseases. Identifiers: MedGen C0950123, MeSH D030342.

Allele frequency attached by ClinVar (database versions not stated): ExAC 0.00001; gnomAD 0.00001; TOPMed 0.00002; gnomAD exomes 0.00003.
gnomAD v4.1: 44 of 1,592,998 alleles (0.0028%); highest among the groups gnomAD compares: Admixed American, 0.0073%; no homozygotes.

Submissions (2):

Labcorp Genetics (formerly Invitae), Labcorp
Classification: Pathogenic. Last evaluated: 2025-10-14. Review status: criteria provided, single submitter. Criteria: Invitae Variant Classification Sherloc (09022015). Collection method: clinical testing. Allele origin: germline.
Comment: This sequence change creates a premature translational stop signal (p.Leu578*) in the CEP135 gene. It is expected to result in an absent or disrupted protein product. Loss-of-function variants in CEP135 are known to be pathogenic (PMID: 22521416, 26657937). This variant is present in population databases (rs748672127, gnomAD 0.02%). This variant has not been reported in the literature in individuals affected with CEP135-related conditions. ClinVar contains an entry for this variant (Variation ID: 2185340). For these reasons, this variant has been classified as Pathogenic.

Ambry Genetics
Classification: Pathogenic for Inborn genetic diseases. Last evaluated: 2022-02-18. Review status: criteria provided, single submitter. Criteria: Ambry Variant Classification Scheme 2023. Collection method: clinical testing. Allele origin: germline.
Comment: The c.1733T>G (p.L578*) alteration, located in exon 13 (coding exon 12) of the CEP135 gene, consists of a T to G substitution at nucleotide position 1733. This changes the amino acid from a leucine (L) to a stop codon at amino acid position 578. This alteration is expected to result in loss of function by premature protein truncation or nonsense-mediated mRNA decay. Based on the available evidence, this alteration is classified as pathogenic.

Literature cited by the submitters: PubMed 22521416 (cited by Labcorp Genetics (formerly Invitae), Labcorp); PubMed 26657937 (cited by Labcorp Genetics (formerly Invitae), Labcorp).

NM_025009.5(CEP135):c.1733T>G (p.Leu578Ter)

Gene: CEP135 (centrosomal protein 135; plus strand). Cytogenetic location: 4q12.
Variant type: single nucleotide variant.
Coding change: c.1733T>G on transcript NM_025009.5 (MANE Select); coding-DNA position 1733, T replaced by G.
Protein change: p.Leu578Ter; replaces leucine 578 with a stop codon.
Molecular consequence: nonsense.
Genome position (GRCh38, 1-based): chr4:55,981,333, T>G. VCF-style: chr4-55981333-T-G. GRCh37 (hg19) VCF-style: chr4-56847499-T-G.
Other names: c.1733T>G (NM_025009.3); short protein forms L578*.
Identifiers: ClinVar variation 2185340 (VCV002185340.5), dbSNP rs748672127, ClinGen allele CA2927939.